The following is an entry in ClinVar:

ClinVar aggregate classification (germline): Uncertain significance (1 of 4 stars; one submission).

Allele frequency attached by ClinVar (database versions not stated): gnomAD 0.00002; TOPMed 0.00002.

Submission:

Labcorp Genetics (formerly Invitae), Labcorp
Classification: Uncertain significance. Last evaluated: 2022-08-15. Review status: criteria provided, single submitter. Criteria: Invitae Variant Classification Sherloc (09022015). Collection method: clinical testing. Allele origin: germline.
Comment: In summary, the available evidence is currently insufficient to determine the role of this variant in disease. Therefore, it has been classified as a Variant of Uncertain Significance. Algorithms developed to predict the effect of missense changes on protein structure and function are either unavailable or do not agree on the potential impact of this missense change (SIFT: "Deleterious"; PolyPhen-2: "Not Available"; Align-GVGD: "Class C65"). This variant has not been reported in the literature in individuals affected with ACAN-related conditions. The frequency data for this variant in the population databases is considered unreliable, as metrics indicate poor data quality at this position in the gnomAD database. This sequence change replaces arginine, which is basic and polar, with cysteine, which is neutral and slightly polar, at codon 163 of the ACAN protein (p.Arg163Cys).

NM_001369268.1(ACAN):c.487C>T (p.Arg163Cys)

Gene: ACAN (aggrecan; plus strand). Cytogenetic location: 15q26.1.
Variant type: single nucleotide variant.
Coding change: c.487C>T on transcript NM_001369268.1 (MANE Select); coding-DNA position 487, C replaced by T.
Protein change: p.Arg163Cys; replaces arginine 163 with cysteine.
Molecular consequence: missense variant.
Genome position (GRCh38, 1-based): chr15:88,840,044, C>T. VCF-style: chr15-88840044-C-T. GRCh37 (hg19) VCF-style: chr15-89383275-C-T.
Other names: c.487C>T, p.Arg163Cys (NM_001135.4, NM_001411096.1, NM_001411097.1 and 1 more transcripts); short protein forms R163C.
Identifiers: ClinVar variation 1929926 (VCV001929926.5), dbSNP rs1176629215, ClinGen allele CA393716853.